The following is an entry in ClinVar:

NM_000051.4(ATM):c.4207A>C (p.Ser1403Arg)

Gene: ATM (ATM serine/threonine kinase; plus strand). Cytogenetic location: 11q22.3.
Variant type: single nucleotide variant.
Coding change: c.4207A>C on transcript NM_000051.4 (MANE Select); coding-DNA position 4207, A replaced by C.
Protein change: p.Ser1403Arg; replaces serine 1403 with arginine.
Molecular consequence: missense variant.
Genome position (GRCh38, 1-based): chr11:108,289,074, A>C. VCF-style: chr11-108289074-A-C. GRCh37 (hg19) VCF-style: chr11-108159801-A-C.
Other names: c.4207A>C, p.Ser1403Arg (NM_001351834.2); short protein forms S1403R.
Identifiers: ClinVar variation 3368099 (VCV003368099.1).

ClinVar aggregate classification (germline): Uncertain significance (1 of 4 stars; one submission).

Submission:

GeneDx
Classification: Uncertain significance. Last evaluated: 2024-01-18. Review status: criteria provided, single submitter. Criteria: GeneDx Variant Classification Process June 2021. Collection method: clinical testing. Allele origin: germline. Affected: yes.
Comment: Not observed at significant frequency in large population cohorts (gnomAD); In silico analysis supports that this missense variant does not alter protein structure/function; Has not been previously published as pathogenic or benign to our knowledge